The following is an entry in ClinVar:

NM_006019.4(TCIRG1):c.2122G>A (p.Val708Ile)

Gene: TCIRG1 (T cell immune regulator 1, ATPase H+ transporting V0 subunit a3; plus strand). Cytogenetic location: 11q13.2.
Variant type: single nucleotide variant.
Coding change: c.2122G>A on transcript NM_006019.4 (MANE Select); coding-DNA position 2122, G replaced by A.
Protein change: p.Val708Ile; replaces valine 708 with isoleucine.
Molecular consequence: missense variant.
Genome position (GRCh38, 1-based): chr11:68,050,140, G>A. VCF-style: chr11-68050140-G-A. GRCh37 (hg19) VCF-style: chr11-67817607-G-A.
Other names: c.1228G>A, p.Val410Ile (NM_001351059.2); c.1474G>A, p.Val492Ile (NM_006053.4); short protein forms V410I, V492I, V708I.
Identifiers: ClinVar variation 991511 (VCV000991511.5), dbSNP rs573002924, ClinGen allele CA6147412.

ClinVar aggregate classification (germline): Uncertain significance. Review status: criteria provided, single submitter (1 of 4 stars). 2 submissions from 2 submitters: Uncertain significance (1). 1 of the submissions does not count toward it. Last evaluated 2024-11-30.

Conditions:
Autosomal recessive osteopetrosis 1. Also called: ALBERS-SCHONBERG DISEASE, AUTOSOMAL RECESSIVE; TCIRG1-Related Osteopetrosis; TCIRG1-Related Autosomal Recessive Osteopetrosis. Identifiers: Orphanet 667, MedGen C1850127, MONDO:0009815, OMIM 259700.

Allele frequency attached by ClinVar (database versions not stated): gnomAD 0.00001 and 0.00002; TOPMed 0.00001; ExAC 0.00002; 1000 Genomes Project 30x 0.00016; 1000 Genomes Project 0.00020.
gnomAD v4.1: 33 of 1,613,050 alleles (0.002%); highest among the groups gnomAD compares: East Asian, 0.018%; no homozygotes.

Submissions (2):

Labcorp Genetics (formerly Invitae), Labcorp
Classification: Uncertain significance. Last evaluated: 2024-11-30. Review status: criteria provided, single submitter. Criteria: Invitae Variant Classification Sherloc (09022015). Collection method: clinical testing. Allele origin: germline.
Comment: This sequence change replaces valine, which is neutral and non-polar, with isoleucine, which is neutral and non-polar, at codon 708 of the TCIRG1 protein (p.Val708Ile). This variant is present in population databases (rs573002924, gnomAD 0.01%). This variant has not been reported in the literature in individuals affected with TCIRG1-related conditions. ClinVar contains an entry for this variant (Variation ID: 991511). Invitae Evidence Modeling of protein sequence and biophysical properties (such as structural, functional, and spatial information, amino acid conservation, physicochemical variation, residue mobility, and thermodynamic stability) indicates that this missense variant is expected to disrupt TCIRG1 protein function with a positive predictive value of 80%. In summary, the available evidence is currently insufficient to determine the role of this variant in disease. Therefore, it has been classified as a Variant of Uncertain Significance.

Natera, Inc.
Classification: Uncertain significance for Infantile malignant osteopetrosis. Last evaluated: 2020-04-16. Review status: no assertion criteria provided. Collection method: clinical testing. Allele origin: germline. Not counted in ClinVar's aggregate classification.